The following is an entry in ClinVar:

NM_000455.5(STK11):c.953C>T (p.Ala318Val)

Gene: STK11 (serine/threonine kinase 11; plus strand). Cytogenetic location: 19p13.3.
Variant type: single nucleotide variant.
Coding change: c.953C>T on transcript NM_000455.5 (MANE Select); coding-DNA position 953, C replaced by T.
Protein change: p.Ala318Val; replaces alanine 318 with valine.
Molecular consequence: missense variant.
Genome position (GRCh38, 1-based): chr19:1,223,017, C>T. VCF-style: chr19-1223017-C-T. GRCh37 (hg19) VCF-style: chr19-1223016-C-T.
Other names: short protein forms A318V.
Identifiers: ClinVar variation 628399 (VCV000628399.7), dbSNP rs1568712000, ClinGen allele CA402951526.

ClinVar aggregate classification (germline): Uncertain significance. Review status: criteria provided, multiple submitters, no conflicts (2 of 4 stars). 2 submissions from 2 submitters: Uncertain significance (2). Last evaluated 2024-11-20.

Conditions:
Hereditary cancer-predisposing syndrome. Also called: Tumor predisposition; Neoplastic Syndromes, Hereditary; Hereditary Cancer Syndrome; Hereditary neoplastic syndrome. Identifiers: Orphanet 140162, MedGen C0027672, MeSH D009386, MONDO:0015356.
Peutz-Jeghers syndrome (PJS). Also called: POLYPOSIS, HAMARTOMATOUS INTESTINAL; POLYPS-AND-SPOTS SYNDROME; Peutz-Jeghers polyposis; Periorificial lentiginosis syndrome. Identifiers: Orphanet 2869, MedGen C0031269, MeSH D010580, MONDO:0008280, OMIM 175200.

Submissions (2):

Labcorp Genetics (formerly Invitae), Labcorp
Classification: Uncertain significance for Peutz-Jeghers syndrome. Last evaluated: 2024-11-20. Review status: criteria provided, single submitter. Criteria: Invitae Variant Classification Sherloc (09022015). Collection method: clinical testing. Allele origin: germline.
Comment: This sequence change replaces alanine, which is neutral and non-polar, with valine, which is neutral and non-polar, at codon 318 of the STK11 protein (p.Ala318Val). This variant is not present in population databases (gnomAD no frequency). This variant has not been reported in the literature in individuals affected with STK11-related conditions. ClinVar contains an entry for this variant (Variation ID: 628399). Invitae Evidence Modeling of protein sequence and biophysical properties (such as structural, functional, and spatial information, amino acid conservation, physicochemical variation, residue mobility, and thermodynamic stability) indicates that this missense variant is not expected to disrupt STK11 protein function with a negative predictive value of 95%. In summary, the available evidence is currently insufficient to determine the role of this variant in disease. Therefore, it has been classified as a Variant of Uncertain Significance.

Color Diagnostics, LLC DBA Color Health
Classification: Uncertain significance for Hereditary cancer-predisposing syndrome. Last evaluated: 2023-12-04. Review status: criteria provided, single submitter. Criteria: ACMG Guidelines, 2015. Collection method: clinical testing. Allele origin: germline.
Comment: This missense variant replaces alanine with valine at codon 318 of the STK11 protein. Computational prediction suggests that this variant may not impact protein structure and function (internally defined REVEL score threshold <= 0.5, PMID: 27666373). To our knowledge, functional studies have not been reported for this variant. This variant has not been reported in individuals affected with STK11-related disorders in the literature. This variant has not been identified in the general population by the Genome Aggregation Database (gnomAD). The available evidence is insufficient to determine the role of this variant in disease conclusively. Therefore, this variant is classified as a Variant of Uncertain Significance.